The following is an entry in ClinVar:

NM_001374828.1(ARID1B):c.4028dup (p.His1343fs)

Gene: ARID1B (AT-rich interaction domain 1B; plus strand). Cytogenetic location: 6q25.3.
Variant type: Duplication.
Coding change: c.4028dup on transcript NM_001374828.1 (MANE Select); coding-DNA position 4028, one base duplicated (A; older notation c.4028dupA).
Protein change: p.His1343fs; shifts the reading frame from histidine 1343.
Molecular consequence: frameshift variant.
Genome position (GRCh38, 1-based): chr6:157,189,750, A duplicated. VCF-style (leftmost placement, unchanged base first): chr6-157189749-C-CA. GRCh37 (hg19) VCF-style: chr6-157510883-C-CA.
Other names: c.3659dupA (NM_020732.3); c.1529dup, p.His510fs (NM_001363725.2); c.3908dup, p.His1303fs (NM_001371656.1, NM_001374820.1); c.3869dup, p.His1290fs (NM_017519.3); short protein forms H1303fs, H1290fs, H510fs, H1343fs.
Identifiers: ClinVar variation 817319 (VCV000817319.1), dbSNP rs1583479817, ClinGen allele CA915944783.

ClinVar aggregate classification (germline): Pathogenic (1 of 4 stars; one submission).

Submission:

GeneDx
Classification: Pathogenic. Last evaluated: 2018-11-14. Review status: criteria provided, single submitter. Criteria: GeneDx Variant Classification (06012015). Collection method: clinical testing. Allele origin: germline. Affected: yes.
Comment: The c.3659dupA variant in the ARID1B gene has not been reported previously as a pathogenic variant nor as a benign variant, to our knowledge. The c.3659dupA variant causes a frameshift starting with codon Histidine 1220, changes this amino acid to a Glutamine residue, and creates a premature Stop codon at position 26 of the new reading frame, denoted p.His1220GlnfsX26. This variant is predicted to cause loss of normal protein function either through protein truncation or nonsense-mediated mRNA decay. The c.3659dupA variant is not observed in large population cohorts (Lek et al., 2016). We interpret c.3659dupA as a pathogenic variant.